The following is an entry in ClinVar:

NM_001282874.2(SMARCA1):c.3021G>A (p.Arg1007=)

Gene: SMARCA1 (SNF2 related chromatin remodeling ATPase 1; minus strand). Cytogenetic location: Xq25.
Variant type: single nucleotide variant.
Coding change: c.3021G>A on transcript NM_001282874.2 (MANE Select); coding-DNA position 3021, G replaced by A.
Protein change: p.Arg1007=; no amino-acid change (arginine 1007 retained).
Molecular consequence: synonymous variant.
Genome position (GRCh38, 1-based): chrX:129,465,529, C>T on the plus strand (G>A on the coding strand, the complement: SMARCA1 is on the minus strand). VCF-style: chrX-129465529-C-T. GRCh37 (hg19) VCF-style: chrX-128599506-C-T.
Other names: c.2985G>A, p.Arg995= (NM_001282875.2, NM_001378262.1, NM_001378263.1 and 1 more transcripts); c.3021G>A, p.Arg1007= (NM_001378261.1, NM_003069.5).
Identifiers: ClinVar variation 2661389 (VCV002661389.24), dbSNP rs1393142880, ClinGen allele CA518465472.

ClinVar aggregate classification (germline): Likely benign (1 of 4 stars; one submission).

Allele frequency attached by ClinVar (database versions not stated): gnomAD exomes 0.00001; TOPMed 0.00001.
gnomAD v4.1: 8 of 1,191,825 alleles (0.00067%); highest among the groups gnomAD compares: Admixed American, 0.0022%; no homozygotes.

Submission:

CeGaT Center for Human Genetics Tuebingen
Classification: Likely benign. Last evaluated: 2023-02-01. Review status: criteria provided, single submitter. Criteria: CeGaT Center For Human Genetics Tuebingen Variant Classification Criteria Version 2. Collection method: clinical testing. Allele origin: germline. Affected: yes. Observed: 1 variant allele.
Comment: SMARCA1: BP4, BP7